The following is an entry in ClinVar:

NM_201384.3(PLEC):c.13308C>T (p.Thr4436=)

Gene: PLEC (plectin; minus strand). Cytogenetic location: 8q24.3.
Variant type: single nucleotide variant.
Coding change: c.13308C>T on transcript NM_201384.3 (MANE Select); coding-DNA position 13308, C replaced by T.
Protein change: p.Thr4436=; no amino-acid change (threonine 4436 retained).
Molecular consequence: synonymous variant.
Genome position (GRCh38, 1-based): chr8:143,916,513, G>A on the plus strand (C>T on the coding strand, the complement: PLEC is on the minus strand). VCF-style: chr8-143916513-G-A. GRCh37 (hg19) VCF-style: chr8-144990681-G-A.
Other names: c.13389C>T, p.Thr4463= (NM_000445.5); c.13266C>T, p.Thr4422= (NM_201378.4); c.13242C>T, p.Thr4414= (NM_201379.3); c.13719C>T, p.Thr4573= (NM_201380.4); c.13212C>T, p.Thr4404= (NM_201381.3); c.13308C>T, p.Thr4436= (NM_201382.4); c.13320C>T, p.Thr4440= (NM_201383.3).
Identifiers: ClinVar variation 502659 (VCV000502659.16), dbSNP rs782527767, ClinGen allele CA4923846.

ClinVar aggregate classification (germline): Conflicting classifications of pathogenicity. Review status: criteria provided, conflicting classifications (1 of 4 stars). 3 submissions from 3 submitters: Uncertain significance (1); Likely benign (2). Last evaluated 2026-09-02.

Conditions:
PLEC-related disorder. Also called: PLEC-related condition; PLEC-related disorders.
Autosomal recessive limb-girdle muscular dystrophy type 2Q (LGMDR17). Also called: MUSCULAR DYSTROPHY, LIMB-GIRDLE, AUTOSOMAL RECESSIVE 17. Identifiers: Orphanet 254361, MedGen C3150989, MONDO:0013390, OMIM 613723.
Epidermolysis bullosa simplex 5B, with muscular dystrophy (EBS5B). Also called: EPIDERMOLYSIS BULLOSA SIMPLEX AND LIMB-GIRDLE MUSCULAR DYSTROPHY; Epidermolysis bullosa simplex with muscular dystrophy. Identifiers: Orphanet 257, MedGen C2931072, MONDO:0009181, OMIM 226670.
Epidermolysis bullosa simplex, Ogna type (EBS5A). Also called: Pidermolysis bullosa simplex 5A, Ogna type; EPIDERMOLYSIS BULLOSA SIMPLEX 5A, OGNA TYPE. Identifiers: Orphanet 79401, MedGen C0432317, MONDO:0007555, OMIM 131950.
Epidermolysis bullosa simplex with nail dystrophy (EBS5D). Identifiers: MedGen C4225309, MONDO:0014661, OMIM 616487.
Epidermolysis bullosa simplex 5C, with pyloric atresia (EBS5C). Also called: PLEC-Related Epidermolysis Bullosa with Pyloric Atresia; Epidermolysis bullosa simplex with pyloric atresia; PLEC1-Related Epidermolysis Bullosa with Pyloric Atresia. Identifiers: Orphanet 158684, MedGen C2677349, MONDO:0012807, OMIM 612138.

Allele frequency attached by ClinVar (database versions not stated): ExAC 0.00001; gnomAD 0.00001; gnomAD exomes 0.00001; TOPMed 0.00002.
gnomAD v4.1: 29 of 1,611,722 alleles (0.0018%); highest among the groups gnomAD compares: Non-Finnish European, 0.0025%; no homozygotes.

Submissions (3):

PreventionGenetics, part of Exact Sciences
Classification: Likely benign for PLEC-related condition. Last evaluated: 2026-09-02. Review status: criteria provided, single submitter. Criteria: ACMG Guidelines, 2015. Collection method: clinical testing. Allele origin: germline.
Comment: This variant is classified as likely benign based on ACMG/AMP sequence variant interpretation guidelines (Richards et al. 2015 PMID: 25741868, with internal and published modifications).

Labcorp Genetics (formerly Invitae), Labcorp
Classification: Likely benign for Autosomal recessive limb-girdle muscular dystrophy type 2Q; Epidermolysis bullosa simplex, Ogna type; Epidermolysis bullosa simplex with nail dystrophy; Epidermolysis bullosa simplex 5C, with pyloric atresia; Epidermolysis bullosa simplex 5B, with muscular dystrophy. Last evaluated: 2025-09-28. Review status: criteria provided, single submitter. Criteria: Invitae Variant Classification Sherloc (09022015). Collection method: clinical testing. Allele origin: germline.

Eurofins Ntd Llc (ga)
Classification: Uncertain significance. Last evaluated: 2017-06-20. Review status: criteria provided, single submitter. Criteria: EGL Classification Definitions 2015. Collection method: clinical testing. Allele origin: germline. Observed: 1 variant allele, 1 heterozygote.